The following is an entry in ClinVar:

ClinVar aggregate classification (germline): Conflicting classifications of pathogenicity. Review status: criteria provided, conflicting classifications (1 of 4 stars). 2 submissions from 2 submitters: Uncertain significance (1); Likely benign (1). Last evaluated 2025-10-10.

Conditions:
Primary ciliary dyskinesia. Also called: Ciliary dyskinesia. Identifiers: Orphanet 244, MedGen C0008780, MONDO:0016575, HP:0012265.

Allele frequency attached by ClinVar (database versions not stated): ExAC 0.00001; gnomAD 0.00001; gnomAD exomes 0.00002.
gnomAD v4.1: 32 of 1,607,058 alleles (0.002%); highest among the groups gnomAD compares: Non-Finnish European, 0.0027%; no homozygotes.

Submissions (2):

Ambry Genetics
Classification: Uncertain significance for Primary ciliary dyskinesia. Last evaluated: 2025-10-10. Review status: criteria provided, single submitter. Criteria: Ambry Variant Classification Scheme 2023. Collection method: clinical testing. Allele origin: germline.
Comment: The p.K866E variant (also known as c.2596A>G), located in coding exon 14 of the DNAH11 gene, results from an A to G substitution at nucleotide position 2596. The lysine at codon 866 is replaced by glutamic acid, an amino acid with similar properties. This amino acid position is conserved. In addition, this alteration is predicted to be tolerated by in silico analysis. Based on the available evidence, the clinical significance of this variant remains unclear.

Labcorp Genetics (formerly Invitae), Labcorp
Classification: Likely benign for Primary ciliary dyskinesia. Last evaluated: 2025-09-09. Review status: criteria provided, single submitter. Criteria: Invitae Variant Classification Sherloc (09022015). Collection method: clinical testing. Allele origin: germline.

NM_001277115.2(DNAH11):c.2596A>G (p.Lys866Glu)

Gene: DNAH11 (dynein axonemal heavy chain 11; plus strand). Cytogenetic location: 7p15.3.
Variant type: single nucleotide variant.
Coding change: c.2596A>G on transcript NM_001277115.2 (MANE Select); coding-DNA position 2596, A replaced by G.
Protein change: p.Lys866Glu; replaces lysine 866 with glutamic acid.
Molecular consequence: missense variant.
Genome position (GRCh38, 1-based): chr7:21,591,506, A>G. VCF-style: chr7-21591506-A-G. GRCh37 (hg19) VCF-style: chr7-21631124-A-G.
Other names: c.2596A>G, p.Lys866Glu (NM_003777.3); c.2596A>G (NM_001277115.1); short protein forms K866E.
Identifiers: ClinVar variation 2769123 (VCV002769123.4), dbSNP rs774136727, ClinGen allele CA4179379.